The following is an entry in ClinVar:

NM_017813.5(BPNT2):c.*3673A>G

Gene: BPNT2 (3'(2'), 5'-bisphosphate nucleotidase 2; minus strand). Cytogenetic location: 8q12.1.
Variant type: single nucleotide variant.
Coding change: c.*3673A>G on transcript NM_017813.5 (MANE Select); 3673 bases downstream of the stop codon, A replaced by G.
Molecular consequence: 3 prime UTR variant.
Genome position (GRCh38, 1-based): chr8:56,960,120, T>C on the plus strand (A>G on the coding strand, the complement: BPNT2 is on the minus strand). VCF-style: chr8-56960120-T-C. GRCh37 (hg19) VCF-style: chr8-57872679-T-C.
Identifiers: ClinVar variation 363349 (VCV000363349.6), dbSNP rs16921462, ClinGen allele CA10628019.
Genomic context (GRCh38, chr8:56,960,120, plus strand): 5'-TCAACACATAGCCAATAGGTAGTTACAGCTAGAATAATTCCAACAGTTCCTGTTTTAACC[T>C]GTCAGATTGTCTCCAAAAGGCCATCTTCAAAGTGCGATCTAAGAGAGGAAAGCTGAATAT-3'

ClinVar aggregate classification (germline): Benign. Review status: criteria provided, multiple submitters, no conflicts (2 of 4 stars). 2 submissions from 2 submitters: Benign (2). Last evaluated 2018-01-13.

Conditions:
Chondrodysplasia with joint dislocations, gPAPP type. Also called: GPAPP DEFICIENCY. Identifiers: Orphanet 280586, MedGen C3279757, MONDO:0013561, OMIM 614078.

Allele frequency attached by ClinVar (database versions not stated): gnomAD 0.20469 and 0.20907; TOPMed 0.22143; 1000 Genomes Project 0.27057; 1000 Genomes Project 30x 0.27171.

Submissions (2):

Illumina Laboratory Services, Illumina
Classification: Benign for Chondrodysplasia with joint dislocations, gPAPP type. Last evaluated: 2018-01-13. Review status: criteria provided, single submitter. Criteria: ICSL Variant Classification Criteria 13 December 2019. Collection method: clinical testing. Allele origin: germline.
Comment: This variant was observed in the ICSL laboratory as part of a predisposition screen in an ostensibly healthy population. It had not been previously curated by ICSL or reported in the Human Gene Mutation Database (HGMD: prior to June 1st, 2018), and was therefore a candidate for classification through an automated scoring system. Utilizing variant allele frequency, disease prevalence and penetrance estimates, and inheritance mode, an automated score was calculated to assess if this variant is too frequent to cause the disease. Based on the score and internal cut-off values, a variant classified as benign is not then subjected to further curation. The score for this variant resulted in a classification of benign for this disease.

Breakthrough Genomics
Classification: Benign. Review status: criteria provided, single submitter. Criteria: ACMG Guidelines, 2015. Collection method: not provided. Allele origin: germline. Inheritance: Autosomal recessive inheritance. Affected: yes.